The following is an entry in ClinVar:

NM_017777.4(MKS1):c.493C>T (p.Arg165Cys)

Gene: MKS1 (MKS transition zone complex subunit 1; minus strand). Cytogenetic location: 17q22.
Variant type: single nucleotide variant.
Coding change: c.493C>T on transcript NM_017777.4 (MANE Select); coding-DNA position 493, C replaced by T.
Protein change: p.Arg165Cys; replaces arginine 165 with cysteine.
Molecular consequence: missense variant. On other transcripts: intron variant (1).
Genome position (GRCh38, 1-based): chr17:58,214,763, G>A on the plus strand (C>T on the coding strand, the complement: MKS1 is on the minus strand). VCF-style: chr17-58214763-G-A. GRCh37 (hg19) VCF-style: chr17-56292124-G-A.
Other names: c.493C>T, p.Arg165Cys (NM_001321269.2, NM_001330397.2); c.-94-376C>T (NM_001321268.2); short protein forms R165C.
Identifiers: ClinVar variation 217682 (VCV000217682.9), dbSNP rs779953982, ClinGen allele CA210278.
Genomic context (GRCh38, chr17:58,214,763, plus strand): 5'-AAGTAAAAGCTTGTCCCCCATCCCATGCCCGCACTCACATCCCTCGCCTGTCCTGCCGGC[G>A]ACGCCTGACATTTGCCATTCGCTCGACCAAGAATGAAGGCACCTCGCTGGCTGCAGTGGT-3'
Protein context (NP_060247.2, residues 155-175): LVERMANVRR[Arg165Cys]RQDRRGMEGG

ClinVar aggregate classification (germline): Conflicting classifications of pathogenicity. Review status: criteria provided, conflicting classifications (1 of 4 stars). 6 submissions from 5 submitters: Likely pathogenic (1); Uncertain significance (4). 1 of the submissions does not count toward it. Last evaluated 2024-02-08.

Conditions:
Bardet-Biedl syndrome 13 (BBS13). Identifiers: Orphanet 110, MedGen C2673873, MONDO:0014441, OMIM 615990.
Meckel syndrome, type 1 (MKS1). Also called: MECKEL-GRUBER SYNDROME, TYPE 1. Identifiers: Orphanet 564, MedGen C3714506, MONDO:0009571, OMIM 249000.
Joubert syndrome 28 (JBTS28). Identifiers: MedGen C4310705, MONDO:0014928, OMIM 617121.
Meckel-Gruber syndrome. Also called: Dysencephalia splachnocystica; DYSENCEPHALIA SPLANCHNOCYSTICA; GRUBER SYNDROME. Identifiers: Orphanet 564, MedGen C0265215, MONDO:0018921.
Joubert syndrome. Also called: CEREBELLOPARENCHYMAL DISORDER IV; JOUBERT-BOLTSHAUSER SYNDROME; Familial aplasia of the vermis. Identifiers: Orphanet 475, MedGen C5979921, MONDO:0018772.

Allele frequency attached by ClinVar (database versions not stated): gnomAD exomes 0.00002 and 0.00004; TOPMed 0.00003; gnomAD 0.00002; ExAC 0.00004.
gnomAD v4.1: 34 of 1,606,700 alleles (0.0021%); highest among the groups gnomAD compares: Non-Finnish European, 0.0026%; no homozygotes.

Submissions (6):

Fulgent Genetics
Classification: Uncertain significance for Meckel syndrome, type 1; Bardet-Biedl syndrome 13; Joubert syndrome 28. Last evaluated: 2024-02-08. Review status: criteria provided, single submitter. Criteria: ACMG Guidelines, 2015. Collection method: clinical testing. Allele origin: germline.

Labcorp Genetics (formerly Invitae), Labcorp
Classification: Uncertain significance for Joubert syndrome; Meckel-Gruber syndrome. Last evaluated: 2022-03-28. Review status: criteria provided, single submitter. Criteria: Invitae Variant Classification Sherloc (09022015). Collection method: clinical testing. Allele origin: germline.
Comment: This sequence change replaces arginine, which is basic and polar, with cysteine, which is neutral and slightly polar, at codon 165 of the MKS1 protein (p.Arg165Cys). This variant is present in population databases (rs779953982, gnomAD 0.007%). This missense change has been observed in individual(s) with clinical features of Joubert syndrome (PMID: 26092869). ClinVar contains an entry for this variant (Variation ID: 217682). Algorithms developed to predict the effect of missense changes on protein structure and function (SIFT, PolyPhen-2, Align-GVGD) all suggest that this variant is likely to be disruptive. Algorithms developed to predict the effect of sequence changes on RNA splicing suggest that this variant may disrupt the consensus splice site. In summary, the available evidence is currently insufficient to determine the role of this variant in disease. Therefore, it has been classified as a Variant of Uncertain Significance.

Illumina Laboratory Services, Illumina
Classification: Uncertain significance for Meckel syndrome, type 1. Last evaluated: 2018-01-12. Review status: criteria provided, single submitter. Criteria: ICSL Variant Classification Criteria 13 December 2019. Collection method: clinical testing. Allele origin: germline.

Illumina Laboratory Services, Illumina
Classification: Uncertain significance for Bardet-Biedl syndrome 13. Last evaluated: 2018-01-12. Review status: criteria provided, single submitter. Criteria: ICSL Variant Classification Criteria 13 December 2019. Collection method: clinical testing. Allele origin: germline.

UW Hindbrain Malformation Research Program, University of Washington
Classification: Likely pathogenic for Joubert syndrome. Last evaluated: 2015-02-23. Review status: criteria provided, single submitter. Criteria: Bachmann-Gagescu et al. (J Med Genet. 2015). Collection method: research. Allele origin: unknown. Affected: yes.

Counsyl
Classification: Uncertain significance for Meckel syndrome, type 1; Bardet-Biedl syndrome 13; Joubert syndrome 28. Last evaluated: 2017-05-15. Review status: no assertion criteria provided. Collection method: clinical testing. Allele origin: unknown. Not counted in ClinVar's aggregate classification.

Literature cited by the submitters: PubMed 26092869 (cited by Labcorp Genetics (formerly Invitae), Labcorp and Counsyl).